The following is an entry in ClinVar:

NM_002519.3(NPAT):c.4100_4102dup (p.Thr1367_Lys1368insThr)

Gene: NPAT (nuclear protein, coactivator of histone transcription; minus strand). Cytogenetic location: 11q22.3.
Variant type: Duplication.
Coding change: c.4100_4102dup on transcript NM_002519.3 (MANE Select); coding-DNA positions 4100 to 4102, 3 bases duplicated (CAA; older notation c.4100_4102dupCAA).
Protein change: p.Thr1367_Lys1368insThr.
Molecular consequence: inframe insertion.
Genome position (GRCh38, 1-based): chr11:108,160,984-108,160,986, TTG duplicated on the plus strand (CAA on the coding strand, the reverse complement: NPAT is on the minus strand); duplicating any 3 consecutive bases within chr11:108,160,984-108,160,987 gives the same sequence; the c. name uses the placement nearest the transcript's 3' end. VCF-style (leftmost placement, unchanged base first): chr11-108160983-T-TTTG. GRCh37 (hg19) VCF-style: chr11-108031710-T-TTTG.
Other names: c.4121_4123dup, p.Thr1374_Lys1375insThr (NM_001321307.1).
Identifiers: ClinVar variation 2132197 (VCV002132197.4), dbSNP rs770096608, ClinGen allele CA6263479.

ClinVar aggregate classification (germline): Uncertain significance (1 of 4 stars; one submission).

Submission:

Labcorp Genetics (formerly Invitae), Labcorp
Classification: Uncertain significance. Last evaluated: 2022-05-05. Review status: criteria provided, single submitter. Criteria: Invitae Variant Classification Sherloc (09022015). Collection method: clinical testing. Allele origin: germline.
Comment: In summary, the available evidence is currently insufficient to determine the role of this variant in disease. Therefore, it has been classified as a Variant of Uncertain Significance. This variant has not been reported in the literature in individuals affected with NPAT-related conditions. This variant is present in population databases (rs770096608, gnomAD 0.006%). This variant, c.4100_4102dup, results in the insertion of 1 amino acid(s) of the NPAT protein (p.Thr1367dup), but otherwise preserves the integrity of the reading frame.